The following is an entry in ClinVar:

ClinVar aggregate classification (germline): Uncertain significance (1 of 4 stars; one submission).

Conditions:
Inborn genetic diseases. Identifiers: MedGen C0950123, MeSH D030342.

Submission:

Ambry Genetics
Classification: Uncertain significance for Inborn genetic diseases. Last evaluated: 2025-03-15. Review status: criteria provided, single submitter. Criteria: Ambry Variant Classification Scheme 2023. Collection method: clinical testing. Allele origin: germline.
Comment: The p.N975K variant (also known as c.2925T>G), located in coding exon 24 of the ANKRD26 gene, results from a T to G substitution at nucleotide position 2925. The asparagine at codon 975 is replaced by lysine, an amino acid with similar properties. This amino acid position is conserved. In addition, this alteration is predicted to be tolerated by in silico analysis. Based on the available evidence, the clinical significance of this variant remains unclear.

NM_014915.3(ANKRD26):c.2925T>G (p.Asn975Lys)

Gene: ANKRD26 (ankyrin repeat domain containing 26; minus strand). Cytogenetic location: 10p12.1.
Variant type: single nucleotide variant.
Coding change: c.2925T>G on transcript NM_014915.3 (MANE Select); coding-DNA position 2925, T replaced by G.
Protein change: p.Asn975Lys; replaces asparagine 975 with lysine.
Molecular consequence: missense variant.
Genome position (GRCh38, 1-based): chr10:27,035,525, A>C on the plus strand (T>G on the coding strand, the complement: ANKRD26 is on the minus strand). VCF-style: chr10-27035525-A-C. GRCh37 (hg19) VCF-style: chr10-27324454-A-C.
Other names: c.2922T>G, p.Asn974Lys (NM_001256053.2); short protein forms N974K, N975K.
Identifiers: ClinVar variation 3912899 (VCV003912899.1).
Genomic context (GRCh38, chr10:27,035,525, plus strand): 5'-TTCATTCTCCAGTTTAGAATTTAGCATTGCATTCTCAGCTGTCAGAACACTAAGCCGTCC[A>C]TTATACTGGGATATTGTTTGTGTTAATGTTTCCTCATTCTGTTTTATAGTCTTCTGAAGG-3'
Protein context (NP_055730.2, residues 965-985): ETLTQTISQY[Asn975Lys]GRLSVLTAEN